The following is an entry in ClinVar:

ClinVar aggregate classification (germline): Likely benign. Review status: criteria provided, multiple submitters, no conflicts (2 of 4 stars). 2 submissions from 2 submitters: Likely benign (2). Last evaluated 2025-12-13.

Conditions:
Autosomal recessive limb-girdle muscular dystrophy type 2J (LGMDR10). Also called: MUSCULAR DYSTROPHY, LIMB-GIRDLE, AUTOSOMAL RECESSIVE 10; Limb-girdle muscular dystrophy, type 2J. Identifiers: Orphanet 140922, MedGen C1837342, MONDO:0012127, OMIM 608807.
Dilated cardiomyopathy 1G (CMD1G). Identifiers: Orphanet 154, MedGen C1858763, MONDO:0011400, OMIM 604145.

Allele frequency attached by ClinVar (database versions not stated): gnomAD exomes 0.00002 and 0.00003; TOPMed 0.00002; ExAC 0.00003.
gnomAD v4.1: 36 of 1,480,870 alleles (0.0024%); highest among the groups gnomAD compares: South Asian, 0.036%; 1 homozygote.

Submissions (2):

Labcorp Genetics (formerly Invitae), Labcorp
Classification: Likely benign for Dilated cardiomyopathy 1G; Autosomal recessive limb-girdle muscular dystrophy type 2J. Last evaluated: 2025-12-13. Review status: criteria provided, single submitter. Criteria: Invitae Variant Classification Sherloc (09022015). Collection method: clinical testing. Allele origin: germline.

GeneDx
Classification: Likely benign. Last evaluated: 2018-01-03. Review status: criteria provided, single submitter. Criteria: GeneDx Variant Classification (06012015). Collection method: clinical testing. Allele origin: germline. Affected: yes.
Comment: This variant is considered likely benign or benign based on one or more of the following criteria: it is a conservative change, it occurs at a poorly conserved position in the protein, it is predicted to be benign by multiple in silico algorithms, and/or has population frequency not consistent with disease.

NM_001267550.2(TTN):c.18307+13C>T

Genes: TTN (titin; minus strand), LOC126806430 (BRD4-independent group 4 enhancer GRCh37_chr2:179593794-179594993; plus strand). Cytogenetic location: 2q31.2.
Variant type: single nucleotide variant.
Coding change: c.18307+13C>T on transcript NM_001267550.2 (MANE Select); 13 bases into the intron after coding-DNA position 18307, C replaced by T.
Molecular consequence: intron variant.
Genome position (GRCh38, 1-based): chr2:178,730,080, G>A on the plus strand (C>T on the coding strand, the complement: TTN is on the minus strand). VCF-style: chr2-178730080-G-A. GRCh37 (hg19) VCF-style: chr2-179594807-G-A.
Other names: c.13282+8002C>T (NM_003319.4); c.13858+8002C>T (NM_133437.4); c.13657+8002C>T (NM_133432.3); c.14575+13C>T (NM_133378.4); c.17356+13C>T (NM_001256850.1).
Identifiers: ClinVar variation 514655 (VCV000514655.9), dbSNP rs201930482, ClinGen allele CA2001643.